The following is an entry in ClinVar:

ClinVar aggregate classification (germline): Pathogenic (1 of 4 stars; one submission).

Submission:

Labcorp Genetics (formerly Invitae), Labcorp
Classification: Pathogenic. Last evaluated: 2022-10-27. Review status: criteria provided, single submitter. Criteria: Invitae Variant Classification Sherloc (09022015). Collection method: clinical testing. Allele origin: germline.
Comment: This sequence change creates a premature translational stop signal (p.Cys951Alafs*11) in the USH2A gene. It is expected to result in an absent or disrupted protein product. Loss-of-function variants in USH2A are known to be pathogenic (PMID: 10729113, 10909849, 20507924, 25649381). This variant is not present in population databases (gnomAD no frequency). This variant has not been reported in the literature in individuals affected with USH2A-related conditions. For these reasons, this variant has been classified as Pathogenic.

Literature cited by the submitters: PubMed 10729113; PubMed 10909849; PubMed 20507924; PubMed 25649381.

NM_206933.4(USH2A):c.2846_2849dup (p.Cys951fs)

Genes: USH2A (usherin; minus strand), USH2A-AS1 (USH2A antisense RNA 1; plus strand). Cytogenetic location: 1q41.
Variant type: Microsatellite.
Coding change: c.2846_2849dup on transcript NM_206933.4 (MANE Select); coding-DNA positions 2846 to 2849, 4 bases duplicated (TGCC; older notation c.2846_2849dupTGCC).
Protein change: p.Cys951fs; shifts the reading frame from cysteine 951.
Molecular consequence: frameshift variant.
Genome position (GRCh38, 1-based): chr1:216,232,097-216,232,100, GGCA duplicated on the plus strand (TGCC on the coding strand, the reverse complement: USH2A is on the minus strand); duplicating any 4 consecutive bases within chr1:216,232,097-216,232,105 gives the same sequence; the c. name uses the placement nearest the transcript's 3' end. VCF-style (leftmost placement, unchanged base first): chr1-216232096-T-TGGCA. GRCh37 (hg19) VCF-style: chr1-216405438-T-TGGCA.
Other names: c.2846_2849dup, p.Cys951fs (NM_007123.6); short protein forms C951fs.
Identifiers: ClinVar variation 2810259 (VCV002810259.3), dbSNP rs2528126907, ClinGen allele CA2739275652.